The following is an entry in ClinVar:

ClinVar aggregate classification (germline): Uncertain significance. Review status: criteria provided, multiple submitters, no conflicts (2 of 4 stars). 4 submissions from 4 submitters: Uncertain significance (4). Last evaluated 2025-12-12.

Conditions:
Cardiovascular phenotype. Identifiers: MedGen CN230736.
Progressive familial heart block type IB (PFHB1B). Identifiers: Orphanet 871, MedGen C1970298, MONDO:0011474, OMIM 604559.
Erythrokeratodermia variabilis et progressiva 6. Identifiers: MedGen C5193144, MONDO:0032801, OMIM 618531.

Submissions (4):

Ambry Genetics
Classification: Uncertain significance for Cardiovascular phenotype. Last evaluated: 2025-12-12. Review status: criteria provided, single submitter. Criteria: Ambry Variant Classification Scheme 2023. Collection method: clinical testing. Allele origin: germline.
Comment: The c.1249delG variant, located in coding exon 10 of the TRPM4 gene, results from a deletion of one nucleotide at nucleotide position 1249, causing a translational frameshift with a predicted alternate stop codon (p.D417Tfs*18). This variant has been detected in an individual with hypertrophic cardiomyopathy; however, details were limited (Lesurf R et al. NPJ Genom Med. 2022 Mar;7(1):18). This alteration is expected to result in loss of function by premature protein truncation or nonsense-mediated mRNA decay. However, loss of function of TRPM4 has not been clearly established as a mechanism of disease. Since supporting evidence is limited at this time, the clinical significance of this alteration remains unclear.

Labcorp Genetics (formerly Invitae), Labcorp
Classification: Uncertain significance for Progressive familial heart block type IB. Last evaluated: 2025-12-03. Review status: criteria provided, single submitter. Criteria: Invitae Variant Classification Sherloc (09022015). Collection method: clinical testing. Allele origin: germline.
Comment: This sequence change creates a premature translational stop signal (p.Asp417Thrfs*18) in the TRPM4 gene. It is expected to result in an absent or disrupted protein product. However, the current clinical and genetic evidence is not sufficient to establish whether loss-of-function variants in TRPM4 cause disease. This variant is present in population databases (rs750295454, gnomAD 0.007%). This premature translational stop signal has been observed in individual(s) with hypertrophic cardiomyopathy (PMID: 35288587). ClinVar contains an entry for this variant (Variation ID: 1523430). In summary, the available evidence is currently insufficient to determine the role of this variant in disease. Therefore, it has been classified as a Variant of Uncertain Significance.

Blueprint Genetics
Classification: Uncertain significance. Last evaluated: 2024-09-05. Review status: criteria provided, single submitter. Criteria: ACMG Guidelines, 2015. Collection method: clinical testing. Allele origin: germline.

Fulgent Genetics
Classification: Uncertain significance for Progressive familial heart block type IB; Erythrokeratodermia variabilis et progressiva 6. Last evaluated: 2021-10-19. Review status: criteria provided, single submitter. Criteria: ACMG Guidelines, 2015. Collection method: clinical testing. Allele origin: unknown.

Literature cited by the submitters: PubMed 35288587 (cited by Ambry Genetics and Labcorp Genetics (formerly Invitae), Labcorp).

NM_017636.4(TRPM4):c.1249del (p.Asp417fs)

Gene: TRPM4 (transient receptor potential cation channel subfamily M member 4; plus strand). Cytogenetic location: 19q13.33.
Variant type: Deletion.
Coding change: c.1249del on transcript NM_017636.4 (MANE Select); coding-DNA position 1249, one base deleted (G; older notation c.1249delG).
Protein change: p.Asp417fs; shifts the reading frame from aspartic acid 417.
Molecular consequence: frameshift variant. On other transcripts: 5 prime UTR variant (1), intron variant (1).
Genome position (GRCh38, 1-based): chr19:49,181,447, G deleted; the last of 6 consecutive G bases (chr19:49,181,442-49,181,447); deleting any one gives the same sequence. VCF-style (leftmost placement, unchanged base first): chr19-49181441-CG-C. GRCh37 (hg19) VCF-style: chr19-49684698-CG-C.
Other names: c.1249del, p.Asp417fs (NM_001195227.2); c.904del, p.Asp302fs (NM_001321281.2); c.-305del (NM_001321282.2); c.727del, p.Asp243fs (NM_001321283.2); c.202-1131del (NM_001321285.2); short protein forms D243fs, D302fs, D417fs.
Identifiers: ClinVar variation 1523430 (VCV001523430.10), dbSNP rs750295454, ClinGen allele CA9569128.